The following is an entry in ClinVar:

NM_133379.5(TTN):c.15116A>G (p.Tyr5039Cys)

Genes: TTN (titin; minus strand), LOC126806432 (CDK7 strongly-dependent group 2 enhancer GRCh37_chr2:179611985-179613184; plus strand). Cytogenetic location: 2q31.2.
Variant type: single nucleotide variant.
Coding change: c.15116A>G on transcript NM_133379.5 (MANE Plus Clinical); coding-DNA position 15116, A replaced by G.
Protein change: p.Tyr5039Cys; replaces tyrosine 5039 with cysteine.
Molecular consequence: missense variant. On other transcripts: intron variant (6).
Genome position (GRCh38, 1-based): chr2:178,747,284, T>C on the plus strand (A>G on the coding strand, the complement: TTN is on the minus strand). VCF-style: chr2-178747284-T-C. GRCh37 (hg19) VCF-style: chr2-179612011-T-C.
Other names: c.10223-5363A>G (NM_003319.4); c.10799-5363A>G (NM_133437.4); c.10598-5363A>G (NM_133432.3); c.10360+5840A>G (NM_133378.4); c.10361-5363A>G (NM_001256850.1); c.11312-5363A>G (NM_001267550.2); short protein forms Y5039C.
Identifiers: ClinVar variation 516417 (VCV000516417.1), dbSNP rs1322304017, ClinGen allele CA349639338.

ClinVar aggregate classification (germline): Likely benign (1 of 4 stars; one submission).

Allele frequency attached by ClinVar (database versions not stated): TOPMed below 0.00001 and 0.00001; gnomAD 0.00003.

Submission:

GeneDx
Classification: Likely benign. Last evaluated: 2017-11-17. Review status: criteria provided, single submitter. Criteria: GeneDx Variant Classification (06012015). Collection method: clinical testing. Allele origin: germline. Affected: yes.
Comment: This variant is considered likely benign or benign based on one or more of the following criteria: it is a conservative change, it occurs at a poorly conserved position in the protein, it is predicted to be benign by multiple in silico algorithms, and/or has population frequency not consistent with disease.